The following is an entry in ClinVar:

NM_001142864.4(PIEZO1):c.3732G>T (p.Gln1244His)

Gene: PIEZO1 (piezo type mechanosensitive ion channel component 1 (Er blood group); minus strand). Cytogenetic location: 16q24.3.
Variant type: single nucleotide variant.
Coding change: c.3732G>T on transcript NM_001142864.4 (MANE Select); coding-DNA position 3732, G replaced by T.
Protein change: p.Gln1244His; replaces glutamine 1244 with histidine.
Molecular consequence: missense variant.
Genome position (GRCh38, 1-based): chr16:88,726,611, C>A on the plus strand (G>T on the coding strand, the complement: PIEZO1 is on the minus strand). VCF-style: chr16-88726611-C-A. GRCh37 (hg19) VCF-style: chr16-88793019-C-A.
Other names: short protein forms Q1244H.
Identifiers: ClinVar variation 4764859 (VCV004764859.1).
Genomic context (GRCh38, chr16:88,726,611, plus strand): 5'-ATAGTAGCCCTTGACGGTGCATACAAGGCTGAAGAGCTGGATGACCCAGCAGAAGCCGGT[C>A]TGCATCTGCTCCACGAAGACGCAGGCCAGGAGCTGGGGGAGAGCAGGGTCAGCGGGGCCA-3'
Protein context (NP_001136336.2, residues 1234-1254): LLACVFVEQM[Gln1244His]TGFCWVIQLF

ClinVar aggregate classification (germline): Uncertain significance (1 of 4 stars; one submission).

Submission:

Labcorp Genetics (formerly Invitae), Labcorp
Classification: Uncertain significance. Last evaluated: 2025-07-09. Review status: criteria provided, single submitter. Criteria: Invitae Variant Classification Sherloc (09022015). Collection method: clinical testing. Allele origin: germline.
Comment: This sequence change replaces glutamine, which is neutral and polar, with histidine, which is basic and polar, at codon 1244 of the PIEZO1 protein (p.Gln1244His). This variant is not present in population databases (gnomAD no frequency). This variant has not been reported in the literature in individuals affected with PIEZO1-related conditions. Invitae Evidence Modeling of protein sequence and biophysical properties (such as structural, functional, and spatial information, amino acid conservation, physicochemical variation, residue mobility, and thermodynamic stability) indicates that this missense variant is not expected to disrupt PIEZO1 protein function with a negative predictive value of 80%. In summary, the available evidence is currently insufficient to determine the role of this variant in disease. Therefore, it has been classified as a Variant of Uncertain Significance.